The following is an entry in ClinVar:

NM_000051.4(ATM):c.8122G>T (p.Asp2708Tyr)

Genes: ATM (ATM serine/threonine kinase; plus strand), C11orf65 (chromosome 11 open reading frame 65; minus strand). Cytogenetic location: 11q22.3.
Variant type: single nucleotide variant.
Coding change: c.8122G>T on transcript NM_000051.4 (MANE Select); coding-DNA position 8122, G replaced by T.
Protein change: p.Asp2708Tyr; replaces aspartic acid 2708 with tyrosine.
Molecular consequence: missense variant. On other transcripts: intron variant (2).
Genome position (GRCh38, 1-based): chr11:108,335,080, G>T. VCF-style: chr11-108335080-G-T. GRCh37 (hg19) VCF-style: chr11-108205807-G-T.
Other names: c.641-26009C>A (NM_001330368.2); c.*38+140C>A (NM_001351110.2); c.8122G>T, p.Asp2708Tyr (NM_001351834.2); short protein forms D2708Y.
Identifiers: ClinVar variation 835131 (VCV000835131.52), dbSNP rs587782719, ClinGen allele CA382562167.
Genomic context (GRCh38, chr11:108,335,080, plus strand): 5'-GCAGAATTTCGCTTAGCAGGAGGTGTAAATTTACCAAAAATAATAGATTGTGTAGGTTCC[G>T]ATGGCAAGGAGAGGAGACAGCTTGTTAAGGTGAGCCTTCCCTTCTCTGGCTTAGCCCTTA-3'
Protein context (NP_000042.3, residues 2698-2718): LPKIIDCVGS[Asp2708Tyr]GKERRQLVKG

ClinVar aggregate classification (germline): Conflicting classifications of pathogenicity. Review status: criteria provided, conflicting classifications (1 of 4 stars). 3 submissions from 3 submitters: Likely pathogenic (2); Uncertain significance (1). Last evaluated 2026-01-05.

Conditions:
Hereditary cancer-predisposing syndrome. Also called: Tumor predisposition; Neoplastic Syndromes, Hereditary; Hereditary Cancer Syndrome; Hereditary neoplastic syndrome. Identifiers: Orphanet 140162, MedGen C0027672, MeSH D009386, MONDO:0015356.
Ataxia-telangiectasia syndrome (AT). Also called: ATAXIA-TELANGIECTASIA, COMPLEMENTATION GROUP A; ATAXIA-TELANGIECTASIA, FRESNO VARIANT; Ataxia-telangiectasia; Ataxia-telangiectasia, complementation group D; AT, COMPLEMENTATION GROUP C; Ataxia-telangiectasia, complementation group E. Identifiers: Orphanet 100, MedGen C0004135, MONDO:0008840, OMIM 208900.

Submissions (3):

Labcorp Genetics (formerly Invitae), Labcorp
Classification: Likely pathogenic for Ataxia-telangiectasia syndrome. Last evaluated: 2026-01-05. Review status: criteria provided, single submitter. Criteria: Invitae Variant Classification Sherloc (09022015). Collection method: clinical testing. Allele origin: germline.
Comment: This sequence change replaces aspartic acid, which is acidic and polar, with tyrosine, which is neutral and polar, at codon 2708 of the ATM protein (p.Asp2708Tyr). This variant is not present in population databases (gnomAD no frequency). This variant has not been reported in the literature in individuals affected with ATM-related conditions. ClinVar contains an entry for this variant (Variation ID: 835131). Invitae Evidence Modeling of protein sequence and biophysical properties (such as structural, functional, and spatial information, amino acid conservation, physicochemical variation, residue mobility, and thermodynamic stability) indicates that this missense variant is expected to disrupt ATM protein function with a positive predictive value of 95%. This variant disrupts the p.Asp2708 amino acid residue in ATM. Other variant(s) that disrupt this residue have been determined to be pathogenic (PMID: 16411093, 16941484, 21665257, 22071889, 23454770, 23632773). This suggests that this residue is clinically significant, and that variants that disrupt this residue are likely to be disease-causing. In summary, the currently available evidence indicates that the variant is pathogenic, but additional data are needed to prove that conclusively. Therefore, this variant has been classified as Likely Pathogenic.

Ambry Genetics
Classification: Likely pathogenic for Hereditary cancer-predisposing syndrome. Last evaluated: 2025-03-10. Review status: criteria provided, single submitter. Criteria: Ambry Variant Classification Scheme 2023. Collection method: clinical testing. Allele origin: germline.
Comment: The p.D2708Y variant (also known as c.8122G>T), located in coding exon 54 of the ATM gene, results from a G to T substitution at nucleotide position 8122. The aspartic acid at codon 2708 is replaced by tyrosine, an amino acid with highly dissimilar properties. Although this exact alteration has not been reported in the literature, two other alterations at this same amino acid codon (p.D2708E and p.D2708N) have been reported in the homozygous and compound heterozygous state in multiple individuals with ataxia-telengiectasia (A-T) (Heinrich T et al. Eur. J. Pediatr. 2006; 165:250-7; Magliozzi M et al. Dis. Markers 2006; 22(4):257-64; Cavalieri S et al. Ann. Hum. Genet. 2008;72(Pt 1):10-8; Micol R et al. J. Allergy Clin. Immunol. 2011 Aug;128(2):382-9.e1; Jacquemin V et al. Eur. J. Hum. Genet. 2012; 20:305-12; Claes K et al. Neuromolecular Med. 2013;15(3):447-57; Bisgin A et al. Biomed Res Int 2018 May;2018:9647253). This amino acid position is highly conserved in available vertebrate species. In addition, this alteration is predicted to be deleterious by in silico analysis. Based on the majority of available evidence to date, this variant is likely to be pathogenic.

Women's Health and Genetics/Laboratory Corporation of America, LabCorp
Classification: Uncertain significance. Last evaluated: 2024-09-16. Review status: criteria provided, single submitter. Criteria: LabCorp Variant Classification Summary - May 2015. Collection method: clinical testing. Allele origin: germline.
Comment: Variant summary: ATM c.8122G>T (p.Asp2708Tyr) results in a non-conservative amino acid change located in the Phosphatidylinositol 3-/4-kinase, catalytic domain (IPR000403) of the encoded protein sequence. Five of five in-silico tools predict a damaging effect of the variant on protein function. The frequency data for this variant in gnomAD is considered unreliable, as metrics indicate poor data quality at this position. To our knowledge, no occurrence of c.8122G>T in individuals affected with Prostate Cancer and no experimental evidence demonstrating its impact on protein function have been reported. ClinVar contains an entry for this variant (Variation ID: 835131). Based on the evidence outlined above, the variant was classified as uncertain significance.

Literature cited by the submitters: PubMed 16411093 (cited by Labcorp Genetics (formerly Invitae), Labcorp); PubMed 16941484 (cited by Labcorp Genetics (formerly Invitae), Labcorp); PubMed 21665257 (cited by Labcorp Genetics (formerly Invitae), Labcorp); PubMed 22071889 (cited by Labcorp Genetics (formerly Invitae), Labcorp); PubMed 23454770 (cited by Labcorp Genetics (formerly Invitae), Labcorp); PubMed 23632773 (cited by Labcorp Genetics (formerly Invitae), Labcorp).